The following is an entry in ClinVar:

ClinVar aggregate classification (germline): Conflicting classifications of pathogenicity. Review status: criteria provided, conflicting classifications (1 of 4 stars). 2 submissions from 2 submitters: Uncertain significance (1); Likely benign (1). Last evaluated 2026-04-10.

Conditions:
PKD1-related disorder. Also called: PKD1-related condition.

gnomAD v4.1: 80 of 1,456,268 alleles (0.0055%); highest among the groups gnomAD compares: East Asian, 0.006%; no homozygotes.

Submissions (2):

Women's Health and Genetics/Laboratory Corporation of America, LabCorp
Classification: Uncertain significance. Last evaluated: 2026-04-10. Review status: criteria provided, single submitter. Criteria: LabCorp Variant Classification Summary - May 2015. Collection method: clinical testing. Allele origin: germline.
Comment: Variant summary: PKD1 c.1801C>T (p.Arg601Trp) results in a non-conservative amino acid change in the encoded protein sequence. Algorithms developed to predict the effect of missense changes on protein structure and function are either unavailable or do not agree on the potential impact of this missense change. The variant allele was found at a frequency of 4.6e-05 in 151678 control chromosomes. The available data on variant occurrences in the general population are insufficient to allow any conclusion about variant significance. c.1801C>T has been observed in the presumed compound heterozygous state in at least 1 individual(s) in a cohort with autosomal dominant PKD1-related conditions, however the recessive condition could not be ruled out (example, Rossetti_2007). These report(s) do not provide unequivocal conclusions about association of the variant with PKD1-related conditions. To our knowledge, no experimental evidence demonstrating an impact on protein function has been reported. The following publication has been ascertained in the context of this evaluation (PMID: 17582161). No submitters have cited clinical-significance assessments for this variant to ClinVar. Based on the evidence outlined above, the variant was classified as uncertain significance.

PreventionGenetics, part of Exact Sciences
Classification: Likely benign for PKD1-related condition. Last evaluated: 2025-01-15. Review status: criteria provided, single submitter. Criteria: ACMG Guidelines, 2015. Collection method: clinical testing. Allele origin: germline.
Comment: This variant is classified as likely benign based on ACMG/AMP sequence variant interpretation guidelines (Richards et al. 2015 PMID: 25741868, with internal and published modifications).

Literature cited by the submitters: PubMed 17582161 (cited by Women's Health and Genetics/Laboratory Corporation of America, LabCorp).

NM_001009944.3(PKD1):c.1801C>T (p.Arg601Trp)

Gene: PKD1 (polycystin 1, transient receptor potential channel interacting; minus strand). Cytogenetic location: 16p13.3.
Variant type: single nucleotide variant.
Coding change: c.1801C>T on transcript NM_001009944.3 (MANE Select); coding-DNA position 1801, C replaced by T.
Protein change: p.Arg601Trp; replaces arginine 601 with tryptophan.
Molecular consequence: missense variant.
Genome position (GRCh38, 1-based): chr16:2,116,040, G>A on the plus strand (C>T on the coding strand, the complement: PKD1 is on the minus strand). VCF-style: chr16-2116040-G-A. GRCh37 (hg19) VCF-style: chr16-2166041-G-A.
Other names: c.1801C>T, p.Arg601Trp (NM_000296.4); short protein forms R601W.
Identifiers: ClinVar variation 4848694 (VCV004848694.2).
Genomic context (GRCh38, chr16:2,116,040, plus strand): 5'-CCAGAGTCCCACCTGCTGTGCTGAGGAGCCGGTACACCTGCAGCCGCAGCTGGGCGGGCC[G>A]CCGGAGCTCCTGGGTCCCAAATTCGGCCGTGGTGAGGAAGGCTTCACGGCTCAGACGCAG-3'
Protein context (NP_001009944.3, residues 591-611): TAEFGTQELR[Arg601Trp]PAQLRLQVYR